The following is an entry in ClinVar:

ClinVar aggregate classification (germline): Uncertain significance (1 of 4 stars; one submission).

Conditions:
Familial hypocalciuric hypercalcemia (FHH). Also called: Familial benign hypercalcemia. Identifiers: Orphanet 405, MedGen C1809471, MONDO:0018458.
Autosomal dominant hypocalcemia 1 (HYPOC1). Also called: HYPOCALCEMIA, FAMILIAL. Identifiers: MedGen C3715128, MONDO:0011013, OMIM 601198.

gnomAD v4.1: 5 of 1,614,062 alleles (0.00031%); highest among the groups gnomAD compares: Non-Finnish European, 0.00042%; no homozygotes.

Submission:

Labcorp Genetics (formerly Invitae), Labcorp
Classification: Uncertain significance for Familial hypocalciuric hypercalcemia; Autosomal dominant hypocalcemia 1. Last evaluated: 2023-09-01. Review status: criteria provided, single submitter. Criteria: Invitae Variant Classification Sherloc (09022015). Collection method: clinical testing. Allele origin: germline.
Comment: This sequence change replaces alanine, which is neutral and non-polar, with threonine, which is neutral and polar, at codon 986 of the CASR protein (p.Ala986Thr). This variant is not present in population databases (gnomAD no frequency). This variant has not been reported in the literature in individuals affected with CASR-related conditions. ClinVar contains an entry for this variant (Variation ID: 1038090). Algorithms developed to predict the effect of missense changes on protein structure and function output the following: SIFT: "Not Available"; PolyPhen-2: "Benign"; Align-GVGD: "Not Available". The threonine amino acid residue is found in multiple mammalian species, which suggests that this missense change does not adversely affect protein function. In summary, the available evidence is currently insufficient to determine the role of this variant in disease. Therefore, it has been classified as a Variant of Uncertain Significance.

NM_000388.4(CASR):c.2956G>A (p.Ala986Thr)

Gene: CASR (calcium sensing receptor; plus strand). Cytogenetic location: 3q21.1.
Variant type: single nucleotide variant.
Coding change: c.2956G>A on transcript NM_000388.4 (MANE Select); coding-DNA position 2956, G replaced by A.
Protein change: p.Ala986Thr; replaces alanine 986 with threonine.
Molecular consequence: missense variant.
Genome position (GRCh38, 1-based): chr3:122,284,910, G>A. VCF-style: chr3-122284910-G-A. GRCh37 (hg19) VCF-style: chr3-122003757-G-A.
Other names: c.2986G>A, p.Ala996Thr (NM_001178065.2); short protein forms A996T, A986T.
Identifiers: ClinVar variation 1038090 (VCV001038090.9), dbSNP rs1801725, ClinGen allele CA354161140.